The following is an entry in ClinVar:

ClinVar aggregate classification (germline): Uncertain significance. Review status: criteria provided, multiple submitters, no conflicts (2 of 4 stars). 2 submissions from 2 submitters: Uncertain significance (2). Last evaluated 2025-03-01.

Conditions:
POLD1-related polyposis and colorectal cancer syndrome (CRCS10). Also called: Colorectal cancer 10; COLORECTAL CANCER, SUSCEPTIBILITY TO, ON CHROMOSOME 19q; Colorectal cancer, susceptibility to, 10. Identifiers: Orphanet 220460, MedGen C2675481, MONDO:0012953, OMIM 612591.
Hereditary cancer-predisposing syndrome. Also called: Tumor predisposition; Neoplastic Syndromes, Hereditary; Hereditary Cancer Syndrome; Hereditary neoplastic syndrome. Identifiers: Orphanet 140162, MedGen C0027672, MeSH D009386, MONDO:0015356.

Allele frequency attached by ClinVar (database versions not stated): TOPMed 0.00001.

Submissions (2):

Ambry Genetics
Classification: Uncertain significance for Hereditary cancer-predisposing syndrome. Last evaluated: 2025-03-01. Review status: criteria provided, single submitter. Criteria: Ambry Variant Classification Scheme 2023. Collection method: clinical testing. Allele origin: germline.
Comment: The p.Q726* variant (also known as c.2176C>T), located in coding exon 17 of the POLD1 gene, results from a C to T substitution at nucleotide position 2176. This changes the amino acid from a glutamine to a stop codon within coding exon 17. This alteration is expected to result in protein truncation or nonsense-mediated mRNA decay. However, loss of function of POLD1 has not been established as a mechanism of disease. Based on the available evidence, the clinical significance of this alteration remains unclear.

Labcorp Genetics (formerly Invitae), Labcorp
Classification: Uncertain significance for POLD1-related polyposis and colorectal cancer syndrome. Last evaluated: 2024-06-16. Review status: criteria provided, single submitter. Criteria: Invitae Variant Classification Sherloc (09022015). Collection method: clinical testing. Allele origin: germline.
Comment: This sequence change creates a premature translational stop signal (p.Gln726*) in the POLD1 gene. Missense variants that disrupt the 3'-5' exonuclease (proof-reading) activity of the POLD1 protein are associated with PPAP (polymerase proofreading–associated polyposis) (PMID: 23263490, 23447401). However, loss-of-function variants that result in an absent or severely disrupted POLD1 protein, and missense variants outside the exonuclease domain, are unlikely to be associated with PPAP. This variant is not present in population databases (gnomAD no frequency). This variant has not been reported in the literature in individuals affected with POLD1-related conditions. In summary, the available evidence is currently insufficient to determine the role of this variant in disease. Therefore, it has been classified as a Variant of Uncertain Significance.

Literature cited by the submitters: PubMed 23263490 (cited by Labcorp Genetics (formerly Invitae), Labcorp); PubMed 23447401 (cited by Labcorp Genetics (formerly Invitae), Labcorp).

NM_002691.4(POLD1):c.2176C>T (p.Gln726Ter)

Gene: POLD1 (DNA polymerase delta 1, catalytic subunit; plus strand). Cytogenetic location: 19q13.33.
Variant type: single nucleotide variant.
Coding change: c.2176C>T on transcript NM_002691.4 (MANE Select); coding-DNA position 2176, C replaced by T.
Protein change: p.Gln726Ter; replaces glutamine 726 with a stop codon.
Molecular consequence: nonsense. On other transcripts: non-coding transcript variant (1).
Genome position (GRCh38, 1-based): chr19:50,413,447, C>T. VCF-style: chr19-50413447-C-T. GRCh37 (hg19) VCF-style: chr19-50916704-C-T.
Other names: c.2176C>T (NM_002691.2); c.2176C>T, p.Gln726Ter (NM_001256849.1); c.2254C>T, p.Gln752Ter (NM_001308632.1); short protein forms Q726*, Q752*.
Identifiers: ClinVar variation 2107318 (VCV002107318.5), dbSNP rs2039157727, ClinGen allele CA406983514.
Genomic context (GRCh38, chr19:50,413,447, plus strand): 5'-CCCCCAGGGCTTCACTCCGCATGATTCTCTCCCCGACAGAGCGTCACGGGGTTCGGACGT[C>T]AGATGATCGAGAAAACCAAGCAGCTGGTGGAGTCTAAGTACACAGTGGAGAATGGCTACA-3'